The following is an entry in ClinVar:

NM_005732.4(RAD50):c.3389+3A>T

Gene: RAD50 (RAD50 double strand break repair protein; plus strand). Cytogenetic location: 5q31.1.
Variant type: single nucleotide variant.
Coding change: c.3389+3A>T on transcript NM_005732.4 (MANE Select); 3 bases into the intron after coding-DNA position 3389, A replaced by T.
Molecular consequence: intron variant.
Genome position (GRCh38, 1-based): chr5:132,618,297, A>T. VCF-style: chr5-132618297-A-T. GRCh37 (hg19) VCF-style: chr5-131953989-A-T.
Identifiers: ClinVar variation 852321 (VCV000852321.10), dbSNP rs1277820959, ClinGen allele CA916082761.

ClinVar aggregate classification (germline): Uncertain significance. Review status: criteria provided, multiple submitters, no conflicts (2 of 4 stars). 2 submissions from 2 submitters: Uncertain significance (2). Last evaluated 2023-11-03.

Conditions:
Hereditary cancer-predisposing syndrome. Also called: Neoplastic Syndromes, Hereditary; Hereditary Cancer Syndrome; Tumor predisposition; Hereditary neoplastic syndrome. Identifiers: Orphanet 140162, MedGen C0027672, MeSH D009386, MONDO:0015356.

gnomAD v4.1: 4 of 1,613,962 alleles (0.00025%); highest among the groups gnomAD compares: Non-Finnish European, 0.00025%; no homozygotes.

Submissions (2):

Ambry Genetics
Classification: Uncertain significance for Hereditary cancer-predisposing syndrome. Last evaluated: 2023-11-03. Review status: criteria provided, single submitter. Criteria: Ambry Variant Classification Scheme 2023. Collection method: clinical testing. Allele origin: germline.
Comment: The c.3389+3A>T intronic variant results from an A to T substitution 3 nucleotides after coding exon 21 in the RAD50 gene. This nucleotide position is not well conserved in available vertebrate species. In silico splice site analysis predicts that this alteration may weaken the native splice donor site. Since supporting evidence is limited at this time, the clinical significance of this alteration remains unclear.

Labcorp Genetics (formerly Invitae), Labcorp
Classification: Uncertain significance for Hereditary cancer-predisposing syndrome. Last evaluated: 2022-09-06. Review status: criteria provided, single submitter. Criteria: Invitae Variant Classification Sherloc (09022015). Collection method: clinical testing. Allele origin: germline.
Comment: This sequence change falls in intron 21 of the RAD50 gene. It does not directly change the encoded amino acid sequence of the RAD50 protein. It affects a nucleotide within the consensus splice site. This variant is not present in population databases (gnomAD no frequency). This variant has not been reported in the literature in individuals affected with RAD50-related conditions. ClinVar contains an entry for this variant (Variation ID: 852321). Variants that disrupt the consensus splice site are a relatively common cause of aberrant splicing (PMID: 17576681, 9536098). Algorithms developed to predict the effect of sequence changes on RNA splicing suggest that this variant may disrupt the consensus splice site. In summary, the available evidence is currently insufficient to determine the role of this variant in disease. Therefore, it has been classified as a Variant of Uncertain Significance.

Literature cited by the submitters: PubMed 17576681 (cited by Labcorp Genetics (formerly Invitae), Labcorp); PubMed 9536098 (cited by Labcorp Genetics (formerly Invitae), Labcorp).